The following is an entry in ClinVar:

ClinVar aggregate classification (germline): Likely pathogenic. Review status: criteria provided, single submitter (1 of 4 stars). 2 submissions from 2 submitters: Likely pathogenic (1). 1 of the submissions does not count toward it. Last evaluated 2023-02-10.

Conditions:
Primary hyperoxaluria, type II (HP2). Also called: D-GLYCERATE DEHYDROGENASE DEFICIENCY; GLYCERIC ACIDURIA; GLYOXYLATE REDUCTASE/HYDROXYPYRUVATE REDUCTASE DEFICIENCY; OXALOSIS II; Primary hyperoxaluria type 2. Identifiers: Orphanet 416, Orphanet 93599, MedGen C0268165, MONDO:0009824, OMIM 260000. Disease mechanism: loss of function.

Submissions (2):

Labcorp Genetics (formerly Invitae), Labcorp
Classification: Likely pathogenic. Last evaluated: 2023-02-10. Review status: criteria provided, single submitter. Criteria: Invitae Variant Classification Sherloc (09022015). Collection method: clinical testing. Allele origin: germline.
Comment: This variant results in the deletion of part of exon 4 (c.403_404+1del) of the GRHPR gene. It is expected to disrupt RNA splicing. Variants that disrupt the donor or acceptor splice site typically lead to a loss of protein function (PMID: 16199547), and loss-of-function variants in GRHPR are known to be pathogenic (PMID: 25644115). This variant is not present in population databases (gnomAD no frequency). This variant has not been reported in the literature in individuals affected with GRHPR-related conditions. ClinVar contains an entry for this variant (Variation ID: 556493). In summary, the currently available evidence indicates that the variant is pathogenic, but additional data are needed to prove that conclusively. Therefore, this variant has been classified as Likely Pathogenic.

Counsyl
Classification: Uncertain significance for Primary hyperoxaluria, type II. Last evaluated: 2018-02-02. Review status: no assertion criteria provided. Collection method: clinical testing. Allele origin: unknown. Not counted in ClinVar's aggregate classification.

Literature cited by the submitters: PubMed 16199547 (cited by Labcorp Genetics (formerly Invitae), Labcorp); PubMed 25644115 (cited by Labcorp Genetics (formerly Invitae), Labcorp).

NM_012203.2(GRHPR):c.403_404+1del

Gene: GRHPR (glyoxylate and hydroxypyruvate reductase; plus strand). Cytogenetic location: 9p13.2.
Variant type: Microsatellite.
Coding change: c.403_404+1del on transcript NM_012203.2 (MANE Select); coding-DNA position 403 through the canonical splice donor site of the intron after coding-DNA position 404, 3 bases deleted (AAG; older notation c.403_404+1delAAG).
Molecular consequence: splice donor variant.
Genome position (GRCh38, 1-based): chr9:37,426,653-37,426,655, AAG deleted; deleting any 3 consecutive bases within chr9:37,426,649-37,426,655 gives the same sequence; the c. name uses the placement nearest the transcript's 3' end. VCF-style (leftmost placement, unchanged base first): chr9-37426648-TGAA-T. GRCh37 (hg19) VCF-style: chr9-37426645-TGAA-T.
Other names: c.403_404+1delAAG (NM_012203.1).
Identifiers: ClinVar variation 556493 (VCV000556493.5), dbSNP rs1554747007, ClinGen allele CA658821311.
Genomic context (GRCh38, chr9:37,426,648, plus strand): 5'-AACTCGCAGTCTCCCTGCTACTTACCACCTGCCGCCGGTTGCCGGAGGCCATCGAGGAAG[TGAA>T]GAAGTAAGTGAACGCAGACCAGGTGCGGTGGCTCACGGCTGTAATCCCAGCACTTTGGGA-3'